The following is an entry in ClinVar:

NM_000306.4(POU1F1):c.440-1G>A

Gene: POU1F1 (POU class 1 homeobox 1; minus strand). Cytogenetic location: 3p11.2.
Variant type: single nucleotide variant.
Coding change: c.440-1G>A on transcript NM_000306.4 (MANE Select); the canonical splice acceptor site of the intron before coding-DNA position 440, G replaced by A.
Molecular consequence: splice acceptor variant.
Genome position (GRCh38, 1-based): chr3:87,262,236, C>T on the plus strand (G>A on the coding strand, the complement: POU1F1 is on the minus strand). VCF-style: chr3-87262236-C-T. GRCh37 (hg19) VCF-style: chr3-87311386-C-T.
Other names: c.518-1G>A (NM_001122757.3).
Identifiers: ClinVar variation 2816350 (VCV002816350.3), dbSNP rs2471787843, ClinGen allele CA353693203.

ClinVar aggregate classification (germline): Likely pathogenic (1 of 4 stars; one submission).

Submission:

Labcorp Genetics (formerly Invitae), Labcorp
Classification: Likely pathogenic. Last evaluated: 2023-06-28. Review status: criteria provided, single submitter. Criteria: Invitae Variant Classification Sherloc (09022015). Collection method: clinical testing. Allele origin: germline.
Comment: In summary, the currently available evidence indicates that the variant is pathogenic, but additional data are needed to prove that conclusively. Therefore, this variant has been classified as Likely Pathogenic. Algorithms developed to predict the effect of sequence changes on RNA splicing suggest that this variant may disrupt the consensus splice site. This variant has not been reported in the literature in individuals affected with POU1F1-related conditions. This variant is not present in population databases (gnomAD no frequency). This sequence change affects an acceptor splice site in intron 3 of the POU1F1 gene. It is expected to disrupt RNA splicing. Variants that disrupt the donor or acceptor splice site typically lead to a loss of protein function (PMID: 16199547), and loss-of-function variants in POU1F1 are known to be pathogenic (PMID: 1472057, 9392392, 15844473, 15928241).

Literature cited by the submitters: PubMed 16199547; PubMed 1472057; PubMed 9392392; PubMed 15844473; PubMed 15928241.